The following is an entry in ClinVar:

ClinVar aggregate classification (germline): Uncertain significance (1 of 4 stars; one submission).

Conditions:
Congenital contractural arachnodactyly (CCA). Also called: Beals-Hecht syndrome; BEALS SYNDROME; Arthrogryposis, distal, type 9. Identifiers: Orphanet 115, MedGen C0220668, MONDO:0007363, OMIM 121050.

gnomAD v4.1: 3 of 1,613,452 alleles (0.00019%); highest among the groups gnomAD compares: Non-Finnish European, 0.00025%; no homozygotes.

Submission:

Labcorp Genetics (formerly Invitae), Labcorp
Classification: Uncertain significance for Congenital contractural arachnodactyly. Last evaluated: 2024-07-20. Review status: criteria provided, single submitter. Criteria: Invitae Variant Classification Sherloc (09022015). Collection method: clinical testing. Allele origin: germline.
Comment: This sequence change replaces glycine, which is neutral and non-polar, with serine, which is neutral and polar, at codon 1906 of the FBN2 protein (p.Gly1906Ser). This variant is not present in population databases (gnomAD no frequency). This variant has not been reported in the literature in individuals affected with FBN2-related conditions. Advanced modeling of protein sequence and biophysical properties (such as structural, functional, and spatial information, amino acid conservation, physicochemical variation, residue mobility, and thermodynamic stability) performed at Invitae indicates that this missense variant is expected to disrupt FBN2 protein function with a positive predictive value of 80%. In summary, the available evidence is currently insufficient to determine the role of this variant in disease. Therefore, it has been classified as a Variant of Uncertain Significance.

NM_001999.4(FBN2):c.5716G>A (p.Gly1906Ser)

Gene: FBN2 (fibrillin 2; minus strand). Cytogenetic location: 5q23.3.
Variant type: single nucleotide variant.
Coding change: c.5716G>A on transcript NM_001999.4 (MANE Select); coding-DNA position 5716, G replaced by A.
Protein change: p.Gly1906Ser; replaces glycine 1906 with serine.
Molecular consequence: missense variant.
Genome position (GRCh38, 1-based): chr5:128,305,041, C>T on the plus strand (G>A on the coding strand, the complement: FBN2 is on the minus strand). VCF-style: chr5-128305041-C-T. GRCh37 (hg19) VCF-style: chr5-127640733-C-T.
Other names: short protein forms G1906S.
Identifiers: ClinVar variation 3698979 (VCV003698979.2).